The following is an entry in ClinVar:

NM_014112.5(TRPS1):c.1649_1650del (p.Gly550fs)

Gene: TRPS1 (transcriptional repressor GATA binding 1; minus strand). Cytogenetic location: 8q23.3.
Variant type: Deletion.
Coding change: c.1649_1650del on transcript NM_014112.5 (MANE Select); coding-DNA positions 1649 to 1650, 2 bases deleted (GC; older notation c.1649_1650delGC).
Protein change: p.Gly550fs; shifts the reading frame from glycine 550.
Molecular consequence: frameshift variant.
Genome position (GRCh38, 1-based): chr8:115,604,319-115,604,320, GC deleted on the plus strand (GC on the coding strand, the reverse complement: TRPS1 is on the minus strand). VCF-style (leftmost placement, unchanged base first): chr8-115604318-GGC-G. GRCh37 (hg19) VCF-style: chr8-116616545-GGC-G.
Other names: c.1622_1623del, p.Gly541fs (NM_001282902.3); c.1628_1629del, p.Gly543fs (NM_001282903.3); c.1610_1611del, p.Gly537fs (NM_001330599.2); short protein forms G543fs, G537fs, G541fs, G550fs.
Identifiers: ClinVar variation 468199 (VCV000468199.6), dbSNP rs1554596063, ClinGen allele CA658657818.
Genomic context (GRCh38, chr8:115,604,318, plus strand): 5'-TGTGAATGTTATGGAGCTGTTGATAATGACGGAGAAGTGGCCCCACTACAATTACATCAG[GGC>G]CATGGCTTTTGGAATATCGGAAGTCACAGAACTGACAATTATAGCTCGTTACCATATTAT-3'

ClinVar aggregate classification (germline): Pathogenic (1 of 4 stars; one submission).

Conditions:
Trichorhinophalangeal dysplasia type I (TRPS1). Also called: TRICHORHINOPHALANGEAL SYNDROME, TYPE I; TRPS I. Identifiers: Orphanet 77258, MedGen C0432233, MONDO:0008596, OMIM 190350.
Trichorhinophalangeal syndrome, type III (TRPS3). Also called: SUGIO-KAJII SYNDROME. Identifiers: Orphanet 77258, MedGen C1860823, OMIM 190351, MONDO:0008597.

Submission:

Labcorp Genetics (formerly Invitae), Labcorp
Classification: Pathogenic for Trichorhinophalangeal syndrome, type III; Trichorhinophalangeal dysplasia type I. Last evaluated: 2017-03-31. Review status: criteria provided, single submitter. Criteria: Invitae Variant Classification Sherloc (09022015). Collection method: clinical testing. Allele origin: germline.
Comment: This sequence change deletes 2 nucleotides from exon 4 of the TRPS1 mRNA (c.1649_1650delGC), causing a frameshift at codon 550. This creates a premature translational stop signal (p.Gly550Alafs*2) and is expected to result in an absent or disrupted protein product. While this particular variant has not been reported in the literature, loss-of-function variants in TRPS1 are known to be pathogenic (PMID: 15367484). For these reasons, this variant has been classified as Pathogenic.

Literature cited by the submitters: PubMed 15367484.